The following is an entry in ClinVar:

NM_052813.5(CARD9):c.781G>A (p.Val261Met)

Gene: CARD9 (caspase recruitment domain family member 9; minus strand). Cytogenetic location: 9q34.3.
Variant type: single nucleotide variant.
Coding change: c.781G>A on transcript NM_052813.5 (MANE Select); coding-DNA position 781, G replaced by A.
Protein change: p.Val261Met; replaces valine 261 with methionine.
Molecular consequence: missense variant.
Genome position (GRCh38, 1-based): chr9:136,370,548, C>T on the plus strand (G>A on the coding strand, the complement: CARD9 is on the minus strand). VCF-style: chr9-136370548-C-T. GRCh37 (hg19) VCF-style: chr9-139265000-C-T.
Other names: c.781G>A, p.Val261Met (NM_052814.4); short protein forms V261M.
Identifiers: ClinVar variation 1352297 (VCV001352297.8), dbSNP rs1320544361, ClinGen allele CA375544436.

ClinVar aggregate classification (germline): Uncertain significance (1 of 4 stars; one submission).

Conditions:
Predisposition to invasive fungal disease due to CARD9 deficiency (IMD103). Also called: Candidiasis, familial, 2, autosomal recessive; IMMUNODEFICIENCY 103, SUSCEPTIBILITY TO FUNGAL INFECTIONS; CARD9 IMMUNODEFICIENCY. Identifiers: Orphanet 457088, MedGen C1859353, MONDO:0008905, OMIM 212050.

Allele frequency attached by ClinVar (database versions not stated): gnomAD exomes below 0.00001.

Submission:

Labcorp Genetics (formerly Invitae), Labcorp
Classification: Uncertain significance for Predisposition to invasive fungal disease due to CARD9 deficiency. Last evaluated: 2024-10-22. Review status: criteria provided, single submitter. Criteria: Invitae Variant Classification Sherloc (09022015). Collection method: clinical testing. Allele origin: germline.
Comment: This sequence change replaces valine, which is neutral and non-polar, with methionine, which is neutral and non-polar, at codon 261 of the CARD9 protein (p.Val261Met). The frequency data for this variant in the population databases is considered unreliable, as metrics indicate poor data quality at this position in the gnomAD database. This variant has not been reported in the literature in individuals affected with CARD9-related conditions. ClinVar contains an entry for this variant (Variation ID: 1352297). Invitae Evidence Modeling of protein sequence and biophysical properties (such as structural, functional, and spatial information, amino acid conservation, physicochemical variation, residue mobility, and thermodynamic stability) indicates that this missense variant is not expected to disrupt CARD9 protein function with a negative predictive value of 80%. In summary, the available evidence is currently insufficient to determine the role of this variant in disease. Therefore, it has been classified as a Variant of Uncertain Significance.